The following is an entry in ClinVar:

NM_004364.5(CEBPA):c.607G>A (p.Ala203Thr)

Gene: CEBPA (CCAAT enhancer binding protein alpha; minus strand). Cytogenetic location: 19q13.11.
Variant type: single nucleotide variant.
Coding change: c.607G>A on transcript NM_004364.5 (MANE Select); coding-DNA position 607, G replaced by A.
Protein change: p.Ala203Thr; replaces alanine 203 with threonine.
Molecular consequence: missense variant.
Genome position (GRCh38, 1-based): chr19:33,301,808, C>T on the plus strand (G>A on the coding strand, the complement: CEBPA is on the minus strand). VCF-style: chr19-33301808-C-T. GRCh37 (hg19) VCF-style: chr19-33792714-C-T.
Other names: c.250G>A, p.Ala84Thr (NM_001285829.2); c.712G>A, p.Ala238Thr (NM_001287424.2); c.565G>A, p.Ala189Thr (NM_001287435.2); short protein forms A189T, A84T, A203T, A238T.
Identifiers: ClinVar variation 3831239 (VCV003831239.1).

ClinVar aggregate classification (germline): Uncertain significance (1 of 4 stars; one submission).

Conditions:
Inborn genetic diseases. Identifiers: MedGen C0950123, MeSH D030342.

gnomAD v4.1: 1 of 1,242,458 alleles (0.00008%); highest among the groups gnomAD compares: Non-Finnish European, 0.0001%; no homozygotes.

Submission:

Ambry Genetics
Classification: Uncertain significance for Inborn genetic diseases. Last evaluated: 2025-03-02. Review status: criteria provided, single submitter. Criteria: Ambry Variant Classification Scheme 2023. Collection method: clinical testing. Allele origin: germline.
Comment: The p.A203T variant (also known as c.607G>A), located in coding exon 1 of the CEBPA gene, results from a G to A substitution at nucleotide position 607. The alanine at codon 203 is replaced by threonine, an amino acid with similar properties. This amino acid position is conserved. In addition, this alteration is predicted to be tolerated by in silico analysis. Based on the available evidence, the clinical significance of this variant remains unclear.